The following is an entry in ClinVar:

NM_001009944.3(PKD1):c.9468C>T (p.Gly3156=)

Gene: PKD1 (polycystin 1, transient receptor potential channel interacting; minus strand). Cytogenetic location: 16p13.3.
Variant type: single nucleotide variant.
Coding change: c.9468C>T on transcript NM_001009944.3 (MANE Select); coding-DNA position 9468, C replaced by T.
Protein change: p.Gly3156=; no amino-acid change (glycine 3156 retained).
Molecular consequence: synonymous variant.
Genome position (GRCh38, 1-based): chr16:2,100,496, G>A on the plus strand (C>T on the coding strand, the complement: PKD1 is on the minus strand). VCF-style: chr16-2100496-G-A. GRCh37 (hg19) VCF-style: chr16-2150497-G-A.
Other names: c.9468C>T, p.Gly3156= (NM_000296.4).
Identifiers: ClinVar variation 2645994 (VCV002645994.26), dbSNP rs143383476, ClinGen allele CA7830078.
Genomic context (GRCh38, chr16:2,100,496, plus strand): 5'-CAGGCTGTGCGGGGTGGCGATCCGGAAGATGTCCAGGCTGTTGCGGTGGAAGGCTCTGTC[G>A]CCGTCCAGGTGCCGGTGGCCGCTCCGGCTGTCCACCCCATACAGCATGATGCCCACGTGG-3'
Protein context (NP_001009944.3, residues 3146-3166): DSRSGHRHLD[Gly3156=]DRAFHRNSLD

ClinVar aggregate classification (germline): Likely benign. Review status: criteria provided, multiple submitters, no conflicts (2 of 4 stars). 3 submissions from 3 submitters: Likely benign (2). 1 of the submissions does not count toward it. Last evaluated 2024-08-07.

Conditions:
PKD1-related disorder. Also called: PKD1-related condition.

Allele frequency attached by ClinVar (database versions not stated): gnomAD exomes 0.00006; ExAC 0.00013; TOPMed 0.00038; ESP Exome Variant Server 0.00039; gnomAD 0.00043; 1000 Genomes Project 0.00120; 1000 Genomes Project 30x 0.00156.
gnomAD v4.1: 155 of 1,610,482 alleles (0.0096%); highest among the groups gnomAD compares: African/African-American, 0.15%; no homozygotes.

Submissions (3):

Blueprint Genetics
Classification: Likely benign. Last evaluated: 2024-08-07. Review status: criteria provided, single submitter. Criteria: ACMG Guidelines, 2015. Collection method: clinical testing. Allele origin: germline.

CeGaT Center for Human Genetics Tuebingen
Classification: Likely benign. Last evaluated: 2023-02-01. Review status: criteria provided, single submitter. Criteria: CeGaT Center For Human Genetics Tuebingen Variant Classification Criteria Version 2. Collection method: clinical testing. Allele origin: germline. Affected: yes. Observed: 1 variant allele.
Comment: PKD1: BP4, BP7

PreventionGenetics, part of Exact Sciences
Classification: Likely benign for PKD1-related condition. Last evaluated: 2019-07-10. Review status: no assertion criteria provided. Collection method: clinical testing. Allele origin: germline. Not counted in ClinVar's aggregate classification.
Comment: This variant is classified as likely benign based on ACMG/AMP sequence variant interpretation guidelines (Richards et al. 2015 PMID: 25741868, with internal and published modifications).